The following is an entry in ClinVar:

ClinVar aggregate classification (germline): Uncertain significance (1 of 4 stars; one submission).

Conditions:
Charcot-Marie-Tooth disease type 2A2. Also called: CHARCOT-MARIE-TOOTH DISEASE, AXONAL, TYPE 2A2; CHARCOT-MARIE-TOOTH DISEASE, NEURONAL, TYPE 2A2; HEREDITARY MOTOR AND SENSORY NEUROPATHY IIA2; HMSN IIA2; Charcot-Marie-Tooth Neuropathy Type 2A2; CHARCOT-MARIE-TOOTH DISEASE, AXONAL, AUTOSOMAL DOMINANT, TYPE 2A2A. Identifiers: Orphanet 99947, MedGen C4721887, MONDO:0012231, OMIM 609260.

Submission:

Center for Human Genetics and Genomic Medicine, Uniklinik Rwth Aachen
Classification: Uncertain significance for Charcot-Marie-Tooth disease type 2A2. Last evaluated: 2023-08-25. Review status: criteria provided, single submitter. Criteria: ACMG Guidelines, 2015. Collection method: clinical testing. Allele origin: unknown. Inheritance: Autosomal dominant inheritance. Affected: yes. Observed: 1 heterozygote.
Comment: The variant is absent from healthy controls (gnomAD v2.1.1) and has not been reported in MFN2-related disease. Bioinformatics predictions regarding the pathogenicity of the variant are inconsistent. Therefore, this variant has been classified as variant of uncertain significance.

NM_014874.4(MFN2):c.824G>C (p.Arg275Pro)

Gene: MFN2 (mitofusin 2; plus strand). Cytogenetic location: 1p36.22.
Variant type: single nucleotide variant.
Coding change: c.824G>C on transcript NM_014874.4 (MANE Select); coding-DNA position 824, G replaced by C.
Protein change: p.Arg275Pro; replaces arginine 275 with proline.
Molecular consequence: missense variant.
Genome position (GRCh38, 1-based): chr1:12,001,408, G>C. VCF-style: chr1-12001408-G-C. GRCh37 (hg19) VCF-style: chr1-12061465-G-C.
Other names: c.824G>C, p.Arg275Pro (NM_001127660.2); short protein forms R275P.
Identifiers: ClinVar variation 2664075 (VCV002664075.1), dbSNP rs560470663, ClinGen allele CA338441407.
Genomic context (GRCh38, chr1:12,001,408, plus strand): 5'-GGGGGCTGTGGGGCCACCTACACTCACTCTGGACACATTTGTTTGGGCTCCAGGTGCGGC[G>C]GCAGCACATGGAGCGTTGTACCAGCTTCCTGGTGGATGAGCTGGGCGTGGTGGATCGATC-3'
Protein context (NP_055689.1, residues 265-285): SEPEYMEEVR[Arg275Pro]QHMERCTSFL